The following is an entry in ClinVar:

NM_000081.4(LYST):c.6299T>C (p.Met2100Thr)

Gene: LYST (lysosomal trafficking regulator; minus strand). Cytogenetic location: 1q42.3.
Variant type: single nucleotide variant.
Coding change: c.6299T>C on transcript NM_000081.4 (MANE Select); coding-DNA position 6299, T replaced by C.
Protein change: p.Met2100Thr; replaces methionine 2100 with threonine.
Molecular consequence: missense variant.
Genome position (GRCh38, 1-based): chr1:235,759,554, A>G on the plus strand (T>C on the coding strand, the complement: LYST is on the minus strand). VCF-style: chr1-235759554-A-G. GRCh37 (hg19) VCF-style: chr1-235922854-A-G.
Other names: c.6299T>C, p.Met2100Thr (NM_001301365.1); short protein forms M2100T.
Identifiers: ClinVar variation 999381 (VCV000999381.2), dbSNP rs1396074902, ClinGen allele CA344942976.

ClinVar aggregate classification (germline): Uncertain significance (1 of 4 stars; one submission).

Conditions:
Chédiak-Higashi syndrome (CHS). Also called: Chediak-Higashi Syndrome. Identifiers: Orphanet 167, MedGen C0007965, MONDO:0008963, OMIM 214500.

Allele frequency attached by ClinVar (database versions not stated): gnomAD 0.00003; gnomAD exomes 0.00003; TOPMed 0.00003.
gnomAD v4.1: 51 of 1,613,686 alleles (0.0032%); highest among the groups gnomAD compares: African/African-American, 0.004%; no homozygotes.

Submission:

Labcorp Genetics (formerly Invitae), Labcorp
Classification: Uncertain significance for Chédiak-Higashi syndrome. Last evaluated: 2021-08-28. Review status: criteria provided, single submitter. Criteria: Invitae Variant Classification Sherloc (09022015). Collection method: clinical testing. Allele origin: germline.
Comment: This sequence change replaces methionine with threonine at codon 2100 of the LYST protein (p.Met2100Thr). The methionine residue is weakly conserved and there is a moderate physicochemical difference between methionine and threonine. This variant is not present in population databases (ExAC no frequency). This variant has not been reported in the literature in individuals affected with LYST-related conditions. Algorithms developed to predict the effect of missense changes on protein structure and function (SIFT, PolyPhen-2, Align-GVGD) all suggest that this variant is likely to be tolerated. In summary, the available evidence is currently insufficient to determine the role of this variant in disease. Therefore, it has been classified as a Variant of Uncertain Significance.